The following is an entry in ClinVar:

NM_000257.4(MYH7):c.1994C>G (p.Thr665Ser)

Gene: MYH7 (myosin heavy chain 7; minus strand). Cytogenetic location: 14q11.2.
Variant type: single nucleotide variant.
Coding change: c.1994C>G on transcript NM_000257.4 (MANE Select); coding-DNA position 1994, C replaced by G.
Protein change: p.Thr665Ser; replaces threonine 665 with serine.
Molecular consequence: missense variant.
Genome position (GRCh38, 1-based): chr14:23,426,827, G>C on the plus strand (C>G on the coding strand, the complement: MYH7 is on the minus strand). VCF-style: chr14-23426827-G-C. GRCh37 (hg19) VCF-style: chr14-23896036-G-C.
Other names: c.1994C>G, p.Thr665Ser (NM_001407004.1); short protein forms T665S.
Identifiers: ClinVar variation 2122430 (VCV002122430.4), dbSNP rs1892712828, ClinGen allele CA389049364.
Genomic context (GRCh38, chr14:23,426,827, plus strand): 5'-GTGGCCTCACCTGGAGACTTTGTCTCATTAGGGATGATACAACGTACAAAGTGGGGATGG[G>C]TGGAGCGCAAGTTGGTCATCAGCTTGTTCAGATTTTCCTGTGGCCAAAAATGCAATAGAG-3'
Protein context (NP_000248.2, residues 655-675): LNKLMTNLRS[Thr665Ser]HPHFVRCIIP

ClinVar aggregate classification (germline): Uncertain significance (1 of 4 stars; one submission).

Conditions:
Hypertrophic cardiomyopathy. Also called: HYPERTROPHIC MYOCARDIOPATHY. Identifiers: Orphanet 217569, MedGen C0007194, MeSH D002312, MONDO:0005045, HP:0001639.

Submission:

Labcorp Genetics (formerly Invitae), Labcorp
Classification: Uncertain significance for Hypertrophic cardiomyopathy. Last evaluated: 2022-04-12. Review status: criteria provided, single submitter. Criteria: Invitae Variant Classification Sherloc (09022015). Collection method: clinical testing. Allele origin: germline.
Comment: In summary, the available evidence is currently insufficient to determine the role of this variant in disease. Therefore, it has been classified as a Variant of Uncertain Significance. This variant is found within a region of MYH7 between codons 181 and 937 that contains the majority of the myosin head domain. Missense variants in this region have been shown to be significantly overrepresented in individuals with hypertrophic cardiomyopathy (PMID: 27532257). Algorithms developed to predict the effect of missense changes on protein structure and function (SIFT, PolyPhen-2, Align-GVGD) all suggest that this variant is likely to be disruptive. This variant has not been reported in the literature in individuals affected with MYH7-related conditions. This variant is not present in population databases (gnomAD no frequency). This sequence change replaces threonine, which is neutral and polar, with serine, which is neutral and polar, at codon 665 of the MYH7 protein (p.Thr665Ser).

Literature cited by the submitters: PubMed 27532257.